The following is an entry in ClinVar:

NM_080424.4(SP110):c.1553T>A (p.Ile518Lys)

Gene: SP110 (SP110 nuclear body protein; minus strand). Cytogenetic location: 2q37.1.
Variant type: single nucleotide variant.
Coding change: c.1553T>A on transcript NM_080424.4 (MANE Select); coding-DNA position 1553, T replaced by A.
Protein change: p.Ile518Lys; replaces isoleucine 518 with lysine.
Molecular consequence: missense variant.
Genome position (GRCh38, 1-based): chr2:230,177,575, A>T on the plus strand (T>A on the coding strand, the complement: SP110 is on the minus strand). VCF-style: chr2-230177575-A-T. GRCh37 (hg19) VCF-style: chr2-231042291-A-T.
Other names: c.1571T>A, p.Ile524Lys (NM_001185015.2, NM_001378442.1, NM_001378444.1 and 2 more transcripts); c.1553T>A, p.Ile518Lys (NM_001378443.1, NM_004509.5, NM_004510.4); c.1403T>A, p.Ile468Lys (NM_001378447.1); short protein forms I518K, I468K, I524K.
Identifiers: ClinVar variation 1035660 (VCV001035660.6), dbSNP rs200056752, ClinGen allele CA2154468.
Genomic context (GRCh38, chr2:230,177,575, plus strand): 5'-TATCTGTCCCGTCATTATAATACCTTCAGCAGCTCTCCTAGGGTCATTCCTTCACAACGT[A>T]TATTCCGTTTCCAGTTCTTTGCGTTCCTTCCTTTTCCTTCGACTTCAAATTCATTTGGTG-3'
Protein context (NP_536349.3, residues 508-528): GRNAKNWKRN[Ile518Lys]RCEGMTLGEL

ClinVar aggregate classification (germline): Uncertain significance (1 of 4 stars; one submission).

Conditions:
Hepatic veno-occlusive disease-immunodeficiency syndrome. Also called: Hepatic Veno-Occlusive Disease with Immunodeficiency. Identifiers: Orphanet 79124, MedGen C1856128, MONDO:0009338, OMIM 235550. Disease mechanism: loss of function.

Allele frequency attached by ClinVar (database versions not stated): TOPMed 0.00003; ESP Exome Variant Server 0.00008.

Submission:

Labcorp Genetics (formerly Invitae), Labcorp
Classification: Uncertain significance for Hepatic veno-occlusive disease-immunodeficiency syndrome. Last evaluated: 2021-08-20. Review status: criteria provided, single submitter. Criteria: Invitae Variant Classification Sherloc (09022015). Collection method: clinical testing. Allele origin: germline.
Comment: This sequence change replaces isoleucine with lysine at codon 518 of the SP110 protein (p.Ile518Lys). The isoleucine residue is moderately conserved and there is a moderate physicochemical difference between isoleucine and lysine. This variant is present in population databases (rs200056752, ExAC 0.001%). This variant has not been reported in the literature in individuals affected with SP110-related conditions. Algorithms developed to predict the effect of missense changes on protein structure and function are either unavailable or do not agree on the potential impact of this missense change (SIFT: "Deleterious"; PolyPhen-2: "Probably Damaging"; Align-GVGD: "Class C0"). In summary, the available evidence is currently insufficient to determine the role of this variant in disease. Therefore, it has been classified as a Variant of Uncertain Significance.